The following is an entry in ClinVar:

ClinVar aggregate classification (germline): Uncertain significance (1 of 4 stars; one submission).

Conditions:
Cystic fibrosis (CF). Also called: MUCOVISCIDOSIS. Identifiers: Orphanet 586, MedGen C0010674, MONDO:0009061, OMIM 219700. Disease mechanism: loss of function.

gnomAD v4.1: 1 of 1,613,100 alleles (0.000062%); highest among the groups gnomAD compares: Admixed American, 0.0017%; no homozygotes.

Submission:

Ambry Genetics
Classification: Uncertain significance for Cystic fibrosis. Last evaluated: 2024-11-27. Review status: criteria provided, single submitter. Criteria: Ambry Variant Classification Scheme 2023. Collection method: clinical testing. Allele origin: germline.
Comment: The p.I1226T variant (also known as c.3677T>C), located in coding exon 22 of the CFTR gene, results from a T to C substitution at nucleotide position 3677. The isoleucine at codon 1226 is replaced by threonine, an amino acid with similar properties. This amino acid position is not well conserved in available vertebrate species. In addition, this alteration is predicted to be deleterious by in silico analysis. Based on the available evidence, the clinical significance of this variant remains unclear.

NM_000492.4(CFTR):c.3677T>C (p.Ile1226Thr)

Genes: CFTR (CF transmembrane conductance regulator; plus strand), CFTR-AS2 (CFTR antisense RNA 2; minus strand). Cytogenetic location: 7q31.2.
Variant type: single nucleotide variant.
Coding change: c.3677T>C on transcript NM_000492.4 (MANE Select); coding-DNA position 3677, T replaced by C.
Protein change: p.Ile1226Thr; replaces isoleucine 1226 with threonine.
Molecular consequence: missense variant.
Genome position (GRCh38, 1-based): chr7:117,627,730, T>C. VCF-style: chr7-117627730-T-C. GRCh37 (hg19) VCF-style: chr7-117267784-T-C.
Other names: short protein forms I1226T.
Identifiers: ClinVar variation 3491700 (VCV003491700.1).